The following is an entry in ClinVar:

NM_018139.3(DNAAF2):c.727G>A (p.Glu243Lys)

Gene: DNAAF2 (dynein axonemal assembly factor 2; minus strand). Cytogenetic location: 14q21.3.
Variant type: single nucleotide variant.
Coding change: c.727G>A on transcript NM_018139.3 (MANE Select); coding-DNA position 727, G replaced by A.
Protein change: p.Glu243Lys; replaces glutamic acid 243 with lysine.
Molecular consequence: missense variant.
Genome position (GRCh38, 1-based): chr14:49,634,423, C>T on the plus strand (G>A on the coding strand, the complement: DNAAF2 is on the minus strand). VCF-style: chr14-49634423-C-T. GRCh37 (hg19) VCF-style: chr14-50101141-C-T.
Other names: c.727G>A, p.Glu243Lys (NM_001083908.2); short protein forms E243K.
Identifiers: ClinVar variation 1402200 (VCV001402200.8), dbSNP rs727504815, ClinGen allele CA389630806.

ClinVar aggregate classification (germline): Uncertain significance (1 of 4 stars; one submission).

Conditions:
Primary ciliary dyskinesia. Also called: Ciliary dyskinesia. Identifiers: Orphanet 244, MedGen C0008780, MONDO:0016575, HP:0012265.

Allele frequency attached by ClinVar (database versions not stated): TOPMed 0.00001.

Submission:

Labcorp Genetics (formerly Invitae), Labcorp
Classification: Uncertain significance for Primary ciliary dyskinesia. Last evaluated: 2020-11-11. Review status: criteria provided, single submitter. Criteria: Invitae Variant Classification Sherloc (09022015). Collection method: clinical testing. Allele origin: germline.
Comment: In summary, the available evidence is currently insufficient to determine the role of this variant in disease. Therefore, it has been classified as a Variant of Uncertain Significance. Algorithms developed to predict the effect of missense changes on protein structure and function output the following: SIFT: "Tolerated"; PolyPhen-2: "Benign"; Align-GVGD: "Class C0". The lysine amino acid residue is found in multiple mammalian species, suggesting that this missense change does not adversely affect protein function. These predictions have not been confirmed by published functional studies and their clinical significance is uncertain. This variant has not been reported in the literature in individuals with DNAAF2-related conditions. The frequency data for this variant in the population databases is considered unreliable, as metrics indicate insufficient coverage at this position in the ExAC database. This sequence change replaces glutamic acid with lysine at codon 243 of the DNAAF2 protein (p.Glu243Lys). The glutamic acid residue is moderately conserved and there is a small physicochemical difference between glutamic acid and lysine.